The following is an entry in ClinVar:

NC_012920.1(MT-CYB):m.15774T>C

Gene: MT-CYB (mitochondrially encoded cytochrome b; plus strand).
Variant type: single nucleotide variant.
Genome position: chrM-15774-T-C.
Identifiers: ClinVar variation 693948 (VCV000693948.1), dbSNP rs1603225473, ClinGen allele CA913174804.

ClinVar aggregate classification (germline): Likely benign (1 of 4 stars; one submission).

Conditions:
Leigh syndrome (NULS). Also called: Leigh's necrotizing encephalopathy; Leigh's disease; Leigh's syndrome; LEIGH SYNDROME, NUCLEAR; Leigh Syndrome (mtDNA deletion); Leigh Disease. Identifiers: Orphanet 506, MedGen C2931891, MONDO:0009723, OMIM 256000.

Submission:

Wong Mito Lab, Molecular and Human Genetics, Baylor College of Medicine
Classification: Likely benign for Leigh syndrome. Last evaluated: 2019-10-17. Review status: criteria provided, single submitter. Criteria: Modified ACMG Guidelines (Unpublished). Collection method: clinical testing. Allele origin: germline.
Comment: The NC_012920.1:m.15774T>C (YP_003024038.1:p.Val343Ala) variant in MTCYB gene is interpretated to be a Likely Benign variant based on the modified ACMG guidelines (unpublished). This variant meets the following evidence codes: BS1, BP6